The following is an entry in ClinVar:

ClinVar aggregate classification (germline): Benign/Likely benign. Review status: criteria provided, multiple submitters, no conflicts (2 of 4 stars). 9 submissions from 9 submitters: Benign (1); Likely benign (6). 2 of the submissions do not count toward it. Last evaluated 2026-02-04.

Conditions:
Adams-Oliver syndrome 5 (AOS5). Identifiers: Orphanet 974, MedGen C4014970, MONDO:0014459, OMIM 616028.
Familial thoracic aortic aneurysm and aortic dissection (TAAD). Also called: Thoracic aortic aneurysms and dissections. Identifiers: Orphanet 91387, MedGen C4707243, MONDO:0019625.

Allele frequency attached by ClinVar (database versions not stated): ExAC below 0.00001; gnomAD 0.00004; TOPMed 0.00014.
gnomAD v4.1: 179 of 1,530,174 alleles (0.012%); highest among the groups gnomAD compares: Middle Eastern, 0.019%; no homozygotes.

Submissions (9):

Labcorp Genetics (formerly Invitae), Labcorp
Classification: Likely benign for Adams-Oliver syndrome 5. Last evaluated: 2026-02-04. Review status: criteria provided, single submitter. Criteria: Invitae Variant Classification Sherloc (09022015). Collection method: clinical testing. Allele origin: germline.

Mayo Clinic Laboratories, Mayo Clinic
Classification: Likely benign. Last evaluated: 2025-02-17. Review status: criteria provided, single submitter. Criteria: ACMG Guidelines, 2015. Collection method: clinical testing. Allele origin: germline. Observed: 1 variant allele.
Comment: BP4, BP7

Blueprint Genetics
Classification: Likely benign. Last evaluated: 2024-10-21. Review status: criteria provided, single submitter. Criteria: ACMG Guidelines, 2015. Collection method: clinical testing. Allele origin: germline.

Ambry Genetics
Classification: Likely benign for Familial thoracic aortic aneurysm and aortic dissection. Last evaluated: 2024-02-28. Review status: criteria provided, single submitter. Criteria: Ambry Variant Classification Scheme 2023. Collection method: clinical testing. Allele origin: germline.

Women's Health and Genetics/Laboratory Corporation of America, LabCorp
Classification: Benign. Last evaluated: 2024-01-09. Review status: criteria provided, single submitter. Criteria: LabCorp Variant Classification Summary - May 2015. Collection method: clinical testing. Allele origin: germline.
Comment: Variant summary: NOTCH1 c.5168-4G>A alters a non-conserved nucleotide located close to a canonical splice site and therefore could affect mRNA splicing, leading to a significantly altered protein sequence. Consensus agreement among computation tools predict no significant impact on normal splicing. However, these predictions have yet to be confirmed by functional studies. The variant allele was found at a frequency of 0.00012 in 1,524,010 control chromosomes (gnomAD v4.1). The observed variant frequency is approximately 185-fold of the estimated maximal expected allele frequency for a pathogenic variant in NOTCH1 causing Adams-Oliver Syndrome 5 phenotype (6.3e-07), strongly suggesting that the variant is benign. To our knowledge, no occurrence of c.5168-4G>A in individuals affected with Adams-Oliver Syndrome 5 and no experimental evidence demonstrating its impact on protein function have been reported. ClinVar contains an entry for this variant (Variation ID: 477939). Based on the evidence outlined above, the variant was classified as benign.

CeGaT Center for Human Genetics Tuebingen
Classification: Likely benign. Last evaluated: 2023-10-01. Review status: criteria provided, single submitter. Criteria: CeGaT Center For Human Genetics Tuebingen Variant Classification Criteria Version 2. Collection method: clinical testing. Allele origin: germline. Affected: yes. Observed: 1 variant allele.
Comment: NOTCH1: BP4

GeneDx
Classification: Likely benign. Last evaluated: 2020-01-06. Review status: criteria provided, single submitter. Criteria: GeneDx Variant Classification Process June 2021. Collection method: clinical testing. Allele origin: germline. Affected: yes.

Genome Diagnostics Laboratory, Amsterdam University Medical Center
Classification: Likely benign. Review status: no assertion criteria provided. Collection method: clinical testing. Allele origin: germline. Affected: yes. Study: VKGL Data-share Consensus. Not counted in ClinVar's aggregate classification.

Genome Diagnostics Laboratory, University Medical Center Utrecht
Classification: Likely benign. Review status: no assertion criteria provided. Collection method: clinical testing. Allele origin: germline. Affected: yes. Study: VKGL Data-share Consensus. Not counted in ClinVar's aggregate classification.

Literature cited by the submitters: PubMed 24943832 (cited by Women's Health and Genetics/Laboratory Corporation of America, LabCorp); PubMed 16614245 (cited by Women's Health and Genetics/Laboratory Corporation of America, LabCorp); PubMed 21670202 (cited by Women's Health and Genetics/Laboratory Corporation of America, LabCorp); PubMed 22210878 (cited by Women's Health and Genetics/Laboratory Corporation of America, LabCorp); PubMed 19635999 (cited by Women's Health and Genetics/Laboratory Corporation of America, LabCorp); PubMed 26837699 (cited by Women's Health and Genetics/Laboratory Corporation of America, LabCorp); PubMed 23086750 (cited by Women's Health and Genetics/Laboratory Corporation of America, LabCorp); PubMed 19245433 (cited by Women's Health and Genetics/Laboratory Corporation of America, LabCorp); PubMed 22077063 (cited by Women's Health and Genetics/Laboratory Corporation of America, LabCorp); PubMed 15472075 (cited by Women's Health and Genetics/Laboratory Corporation of America, LabCorp); PubMed 23734977 (cited by Women's Health and Genetics/Laboratory Corporation of America, LabCorp); PubMed 22858860 (cited by Women's Health and Genetics/Laboratory Corporation of America, LabCorp).

NM_017617.5(NOTCH1):c.5168-4G>A

Gene: NOTCH1 (notch receptor 1; minus strand). Cytogenetic location: 9q34.3.
Variant type: single nucleotide variant.
Coding change: c.5168-4G>A on transcript NM_017617.5 (MANE Select); 4 bases into the intron before coding-DNA position 5168, G replaced by A.
Molecular consequence: intron variant.
Genome position (GRCh38, 1-based): chr9:136,502,492, C>T on the plus strand (G>A on the coding strand, the complement: NOTCH1 is on the minus strand). VCF-style: chr9-136502492-C-T. GRCh37 (hg19) VCF-style: chr9-139396944-C-T.
Other names: p.?; c.5168-4G>A (LRG_1122t1).
Identifiers: ClinVar variation 477939 (VCV000477939.45), dbSNP rs751709616, ClinGen allele CA5340374.